The following is an entry in ClinVar:

ClinVar aggregate classification (germline): Uncertain significance. Review status: criteria provided, multiple submitters, no conflicts (2 of 4 stars). 2 submissions from 2 submitters: Uncertain significance (2). Last evaluated 2025-04-07.

Conditions:
Intellectual developmental disorder, autosomal dominant 54. Also called: MENTAL RETARDATION, AUTOSOMAL DOMINANT 54; Intellectual disability, autosomal dominant 54. Identifiers: MedGen C4540484, MONDO:0030920, OMIM 617799.

Allele frequency attached by ClinVar (database versions not stated): TOPMed 0.00002; ExAC 0.00003; gnomAD 0.00003 and 0.00004; gnomAD exomes 0.00002.
gnomAD v4.1: 71 of 1,613,212 alleles (0.0044%); highest among the groups gnomAD compares: Admixed American, 0.01%; no homozygotes.

Submissions (2):

Labcorp Genetics (formerly Invitae), Labcorp
Classification: Uncertain significance. Last evaluated: 2025-04-07. Review status: criteria provided, single submitter. Criteria: Invitae Variant Classification Sherloc (09022015). Collection method: clinical testing. Allele origin: germline.
Comment: This sequence change replaces valine, which is neutral and non-polar, with isoleucine, which is neutral and non-polar, at codon 609 of the CAMK2B protein (p.Val609Ile). This variant is present in population databases (rs754627779, gnomAD 0.006%). This variant has not been reported in the literature in individuals affected with CAMK2B-related conditions. ClinVar contains an entry for this variant (Variation ID: 1428749). An algorithm developed to predict the effect of missense changes on protein structure and function (PolyPhen-2) suggests that this variant is likely to be tolerated. In summary, the available evidence is currently insufficient to determine the role of this variant in disease. Therefore, it has been classified as a Variant of Uncertain Significance.

New York Genome Center
Classification: Uncertain significance for Intellectual developmental disorder, autosomal dominant 54. Last evaluated: 2021-09-17. Review status: criteria provided, single submitter. Criteria: NYGC Assertion Criteria 2020. Collection method: clinical testing. Allele origin: inherited. Observed: 1 heterozygote. Study: CSER-NYCKidSeq.

NM_001220.5(CAMK2B):c.1825G>A (p.Val609Ile)

Gene: CAMK2B (calcium/calmodulin dependent protein kinase II beta; minus strand). Cytogenetic location: 7p13.
Variant type: single nucleotide variant.
Coding change: c.1825G>A on transcript NM_001220.5 (MANE Select); coding-DNA position 1825, G replaced by A.
Protein change: p.Val609Ile; replaces valine 609 with isoleucine.
Molecular consequence: missense variant.
Genome position (GRCh38, 1-based): chr7:44,220,238, C>T on the plus strand (G>A on the coding strand, the complement: CAMK2B is on the minus strand). VCF-style: chr7-44220238-C-T. GRCh37 (hg19) VCF-style: chr7-44259837-C-T.
Other names: c.1453G>A, p.Val485Ile (NM_001293170.2, NM_172078.3); c.1381G>A, p.Val461Ile (NM_172079.3); c.1378G>A, p.Val460Ile (NM_172080.3); c.1336G>A, p.Val446Ile (NM_172081.3); c.1303G>A, p.Val435Ile (NM_172082.3); c.1264G>A, p.Val422Ile (NM_172083.3); c.1174G>A, p.Val392Ile (NM_172084.3); short protein forms V609I, V461I, V485I, V392I, V422I, V435I, V446I, V460I.
Identifiers: ClinVar variation 1428749 (VCV001428749.7), dbSNP rs754627779, ClinGen allele CA4240089.